The following is an entry in ClinVar:

NM_017433.5(MYO3A):c.4771G>C (p.Glu1591Gln)

Gene: MYO3A (myosin IIIA; plus strand). Cytogenetic location: 10p12.1.
Variant type: single nucleotide variant.
Coding change: c.4771G>C on transcript NM_017433.5 (MANE Select); coding-DNA position 4771, G replaced by C.
Protein change: p.Glu1591Gln; replaces glutamic acid 1591 with glutamine.
Molecular consequence: missense variant.
Genome position (GRCh38, 1-based): chr10:26,211,883, G>C. VCF-style: chr10-26211883-G-C. GRCh37 (hg19) VCF-style: chr10-26500812-G-C.
Other names: c.4771G>C (NM_017433.4); short protein forms E1591Q.
Identifiers: ClinVar variation 2178291 (VCV002178291.5), dbSNP rs1162695637, ClinGen allele CA376342330.

ClinVar aggregate classification (germline): Uncertain significance. Review status: criteria provided, multiple submitters, no conflicts (2 of 4 stars). 2 submissions from 2 submitters: Uncertain significance (2). Last evaluated 2025-06-18.

Conditions:
Inborn genetic diseases. Identifiers: MedGen C0950123, MeSH D030342.

Allele frequency attached by ClinVar (database versions not stated): TOPMed 0.00001.
gnomAD v4.1: 2 of 1,614,060 alleles (0.00012%); highest among the groups gnomAD compares: Admixed American, 0.0017%; no homozygotes.

Submissions (2):

Ambry Genetics
Classification: Uncertain significance for Inborn genetic diseases. Last evaluated: 2025-06-18. Review status: criteria provided, single submitter. Criteria: Ambry Variant Classification Scheme 2023. Collection method: clinical testing. Allele origin: germline.

Labcorp Genetics (formerly Invitae), Labcorp
Classification: Uncertain significance. Last evaluated: 2022-08-23. Review status: criteria provided, single submitter. Criteria: Invitae Variant Classification Sherloc (09022015). Collection method: clinical testing. Allele origin: germline.
Comment: In summary, the available evidence is currently insufficient to determine the role of this variant in disease. Therefore, it has been classified as a Variant of Uncertain Significance. Algorithms developed to predict the effect of missense changes on protein structure and function (SIFT, PolyPhen-2, Align-GVGD) all suggest that this variant is likely to be tolerated. This variant has not been reported in the literature in individuals affected with MYO3A-related conditions. This sequence change replaces glutamic acid, which is acidic and polar, with glutamine, which is neutral and polar, at codon 1591 of the MYO3A protein (p.Glu1591Gln). This variant is present in population databases (no rsID available, gnomAD 0.003%).